The following is an entry in ClinVar:

ClinVar aggregate classification (germline): Benign/Likely benign. Review status: criteria provided, multiple submitters, no conflicts (2 of 4 stars). 5 submissions from 5 submitters: Benign (4); Likely benign (1). Last evaluated 2026-01-05.

Conditions:
Familial sleep-related hypermotor epilepsy. Also called: Autosomal Dominant Sleep-Related Hypermotor (Hyperkinetic) Epilepsy. Identifiers: Orphanet 98784, MedGen C3696898, MONDO:0000030.
Inborn genetic diseases. Identifiers: MedGen C0950123, MeSH D030342.
Autosomal dominant nocturnal frontal lobe epilepsy 4. Also called: CHRNA2-Related Nocturnal Frontal Lobe Epilepsy, Autosomal Dominant; EPILEPSY, FAMILIAL, WITH NOCTURNAL WANDERING AND ICTAL FEAR. Identifiers: Orphanet 98784, MedGen C1835905, MONDO:0012474, OMIM 610353.

Allele frequency attached by ClinVar (database versions not stated): TOPMed 0.00008; gnomAD 0.00046 and 0.00001; gnomAD exomes 0.00184; ExAC 0.00233; 1000 Genomes Project 0.00240; 1000 Genomes Project 30x 0.00281.
gnomAD v4.1: 1,375 of 1,614,172 alleles (0.085%); highest among the groups gnomAD compares: South Asian, 1.4%; 14 homozygotes.

Submissions (5):

Labcorp Genetics (formerly Invitae), Labcorp
Classification: Benign. Last evaluated: 2026-01-05. Review status: criteria provided, single submitter. Criteria: Invitae Variant Classification Sherloc (09022015). Collection method: clinical testing. Allele origin: germline.

Illumina Laboratory Services, Illumina
Classification: Benign for Autosomal dominant nocturnal frontal lobe epilepsy 4. Last evaluated: 2018-01-13. Review status: criteria provided, single submitter. Criteria: ICSL Variant Classification Criteria 13 December 2019. Collection method: clinical testing. Allele origin: germline.
Comment: This variant was observed in the ICSL laboratory as part of a predisposition screen in an ostensibly healthy population. It had not been previously curated by ICSL or reported in the Human Gene Mutation Database (HGMD: prior to June 1st, 2018), and was therefore a candidate for classification through an automated scoring system. Utilizing variant allele frequency, disease prevalence and penetrance estimates, and inheritance mode, an automated score was calculated to assess if this variant is too frequent to cause the disease. Based on the score and internal cut-off values, a variant classified as benign is not then subjected to further curation. The score for this variant resulted in a classification of benign for this disease.

Ambry Genetics
Classification: Likely benign for Inborn genetic diseases. Last evaluated: 2017-05-30. Review status: criteria provided, single submitter. Criteria: Ambry Variant Classification Scheme 2023. Collection method: clinical testing. Allele origin: germline.

Eurofins Ntd Llc (ga)
Classification: Benign. Last evaluated: 2014-12-18. Review status: criteria provided, single submitter. Criteria: EGL Classification Definitions 2015. Collection method: clinical testing. Allele origin: germline. Observed: 1 variant allele, 1 heterozygote.

GeneDx
Classification: Benign. Last evaluated: 2013-09-06. Review status: criteria provided, single submitter. Criteria: GeneDx Variant Classification (06012015). Collection method: clinical testing. Allele origin: germline. Affected: yes.
Comment: This variant is considered likely benign or benign based on one or more of the following criteria: it is a conservative change, it occurs at a poorly conserved position in the protein, it is predicted to be benign by multiple in silico algorithms, and/or has population frequency not consistent with disease.

NM_000742.4(CHRNA2):c.489C>T (p.Ala163=)

Gene: CHRNA2 (cholinergic receptor nicotinic alpha 2 subunit; minus strand). Cytogenetic location: 8p21.2.
Variant type: single nucleotide variant.
Coding change: c.489C>T on transcript NM_000742.4 (MANE Select); coding-DNA position 489, C replaced by T.
Protein change: p.Ala163=; no amino-acid change (alanine 163 retained).
Molecular consequence: synonymous variant. On other transcripts: intron variant (2).
Genome position (GRCh38, 1-based): chr8:27,463,954, G>A on the plus strand (C>T on the coding strand, the complement: CHRNA2 is on the minus strand). VCF-style: chr8-27463954-G-A. GRCh37 (hg19) VCF-style: chr8-27321471-G-A.
Other names: p.A163A:GCC>GCT; c.444C>T, p.Ala148= (NM_001282455.2); c.12C>T, p.Ala4= (NM_001347705.2, NM_001347706.2); c.-12-94C>T (NM_001347708.2); c.-9-97C>T (NM_001347707.2).
Identifiers: ClinVar variation 136750 (VCV000136750.22), dbSNP rs535699325, ClinGen allele CA303032.